The following is an entry in ClinVar:

ClinVar aggregate classification (germline): Uncertain significance (1 of 4 stars; one submission).

Conditions:
Idiopathic Pulmonary Fibrosis. Also called: Idiopathic fibrosing alveolitis, chronic form; idiopathic fibrosing alveolitis. Identifiers: Orphanet 2032, MedGen C1800706, MeSH D054990, MONDO:0800504.
Dyskeratosis congenita, autosomal dominant 2. Identifiers: MedGen C3151443, MONDO:0013521, OMIM 613989.

Allele frequency attached by ClinVar (database versions not stated): gnomAD below 0.00001 and 0.00001; gnomAD exomes 0.00001; ExAC 0.00004.

Submission:

Labcorp Genetics (formerly Invitae), Labcorp
Classification: Uncertain significance for Dyskeratosis congenita, autosomal dominant 2; Idiopathic Pulmonary Fibrosis. Last evaluated: 2019-02-12. Review status: criteria provided, single submitter. Criteria: Invitae Variant Classification Sherloc (09022015). Collection method: clinical testing. Allele origin: germline.
Comment: This variant has not been reported in the literature in individuals with TERT-related conditions. This variant is present in population databases (rs774658501, ExAC 0.02%). This sequence change falls in intron 1 of the TERT gene. It does not directly change the encoded amino acid sequence of the TERT protein, but it affects a nucleotide within the consensus splice site of the intron. Nucleotide substitutions within the consensus splice site are a relatively common cause of aberrant splicing (PMID: 17576681, 9536098). Algorithms developed to predict the effect of sequence changes on RNA splicing suggest that this variant may create or strengthen a splice site, but this prediction has not been confirmed by published transcriptional studies. In summary, the available evidence is currently insufficient to determine the role of this variant in disease. Therefore, it has been classified as a Variant of Uncertain Significance.

Literature cited by the submitters: PubMed 17576681; PubMed 9536098.

NM_198253.3(TERT):c.220-3C>T

Genes: TERT (telomerase reverse transcriptase; minus strand), LOC110806263 (TERT 5' regulatory region; plus strand). Cytogenetic location: 5p15.33.
Variant type: single nucleotide variant.
Coding change: c.220-3C>T on transcript NM_198253.3 (MANE Select); 3 bases into the intron before coding-DNA position 220, C replaced by T.
Molecular consequence: intron variant.
Genome position (GRCh38, 1-based): chr5:1,294,669, G>A on the plus strand (C>T on the coding strand, the complement: TERT is on the minus strand). VCF-style: chr5-1294669-G-A. GRCh37 (hg19) VCF-style: chr5-1294784-G-A.
Other names: c.220-3C>T (NM_001193376.3).
Identifiers: ClinVar variation 864407 (VCV000864407.10), dbSNP rs774658501, ClinGen allele CA3185003.
Genomic context (GRCh38, chr5:1,294,669, plus strand): 5'-CGCCGCGCTCGCACAGCCTCTGCAGCACTCGGGCCACCAGCTCCTTCAGGCAGGACACCT[G>A]CGGGGGAAGCGCCCTGAGTCGCCTGCGCTGCTCTCCGCATGTCGCTGGTTCCCCCCGGCC-3'